The following is an entry in ClinVar:

NM_001111.5(ADAR):c.3234T>C (p.Arg1078=)

Gene: ADAR (adenosine deaminase RNA specific; minus strand). Cytogenetic location: 1q21.3.
Variant type: single nucleotide variant.
Coding change: c.3234T>C on transcript NM_001111.5 (MANE Select); coding-DNA position 3234, T replaced by C.
Protein change: p.Arg1078=; no amino-acid change (arginine 1078 retained).
Molecular consequence: synonymous variant.
Genome position (GRCh38, 1-based): chr1:154,585,834, A>G on the plus strand (T>C on the coding strand, the complement: ADAR is on the minus strand). VCF-style: chr1-154585834-A-G. GRCh37 (hg19) VCF-style: chr1-154558310-A-G.
Other names: c.2349T>C, p.Arg783= (NM_001025107.3, NM_001193495.2, NM_001365046.1 and 2 more transcripts); c.3261T>C, p.Arg1087= (NM_001365045.1); c.2271T>C, p.Arg757= (NM_001365049.1); c.3156T>C, p.Arg1052= (NM_015840.4); c.3099T>C, p.Arg1033= (NM_015841.4).
Identifiers: ClinVar variation 3234699 (VCV003234699.20), dbSNP rs2526457623, ClinGen allele CA420974721.
Genomic context (GRCh38, chr1:154,585,834, plus strand): 5'-GGGATGTCGTAGTCCATCCTCAAATGCACTCCCATCTCTTGTCACACGACAGCAAATAGC[A>G]CGGGTCAGATGCCCTTGGCTGAAAAGGTAACCTGAGTACAAAAAAGAGAAACATATATAC-3'
Protein context (NP_001102.3, residues 1068-1088): GYLFSQGHLT[Arg1078=]AICCRVTRDG

ClinVar aggregate classification (germline): Likely benign (1 of 4 stars; one submission).

Allele frequency attached by ClinVar (database versions not stated): gnomAD exomes below 0.00001.
gnomAD v4.1: 2 of 1,614,134 alleles (0.00012%); highest among the groups gnomAD compares: Non-Finnish European, 0.00017%; no homozygotes.

Submission:

CeGaT Center for Human Genetics Tuebingen
Classification: Likely benign. Last evaluated: 2024-04-01. Review status: criteria provided, single submitter. Criteria: CeGaT Center For Human Genetics Tuebingen Variant Classification Criteria Version 2. Collection method: clinical testing. Allele origin: germline. Affected: yes. Observed: 1 variant allele.
Comment: ADAR: PM2:Supporting, BP4, BP7